The following is an entry in ClinVar:

NM_058216.3(RAD51C):c.846A>T (p.Leu282Phe)

Gene: RAD51C (RAD51 paralog C; plus strand). Cytogenetic location: 17q22.
Variant type: single nucleotide variant.
Coding change: c.846A>T on transcript NM_058216.3 (MANE Select); coding-DNA position 846, A replaced by T.
Protein change: p.Leu282Phe; replaces leucine 282 with phenylalanine.
Molecular consequence: missense variant. On other transcripts: non-coding transcript variant (1).
Genome position (GRCh38, 1-based): chr17:58,720,754, A>T. VCF-style: chr17-58720754-A-T. GRCh37 (hg19) VCF-style: chr17-56798115-A-T.
Other names: short protein forms L282F.
Identifiers: ClinVar variation 4680805 (VCV004680805.1).

ClinVar aggregate classification (germline): Uncertain significance (1 of 4 stars; one submission).

Conditions:
Hereditary cancer-predisposing syndrome. Also called: Neoplastic Syndromes, Hereditary; Tumor predisposition; Hereditary Cancer Syndrome; Hereditary neoplastic syndrome. Identifiers: Orphanet 140162, MedGen C0027672, MeSH D009386, MONDO:0015356.

Submission:

Ambry Genetics
Classification: Uncertain significance for Hereditary cancer-predisposing syndrome. Last evaluated: 2025-09-22. Review status: criteria provided, single submitter. Criteria: Ambry Variant Classification Scheme 2023. Collection method: clinical testing. Allele origin: germline.
Comment: The p.L282F variant (also known as c.846A>T), located in coding exon 6 of the RAD51C gene, results from an A to T substitution at nucleotide position 846. The leucine at codon 282 is replaced by phenylalanine, an amino acid with highly similar properties. This amino acid position is conserved. In addition, this alteration is predicted to be tolerated by in silico analysis. Based on the available evidence, the clinical significance of this variant remains unclear.